The following is an entry in ClinVar:

ClinVar aggregate classification (germline): Pathogenic (1 of 4 stars; one submission).

Conditions:
Fabry disease. Also called: ALPHA-GALACTOSIDASE A DEFICIENCY; ANDERSON-FABRY DISEASE; CERAMIDE TRIHEXOSIDASE DEFICIENCY; GLA DEFICIENCY; HEREDITARY DYSTOPIC LIPIDOSIS; Angiokeratoma corporis diffusum. Identifiers: Orphanet 324, MedGen C0002986, MONDO:0010526, OMIM 301500, HP:0001071. Disease mechanism: Fabry disease is due to inactivating mutations in the X-linked GLA gene resulting in deficiency of the enzyme Alpha Galactosidase-A., loss of function.

Submission:

Genomenon, Inc
Classification: Pathogenic for Fabry disease. Last evaluated: 2026-09-08. Review status: criteria provided, single submitter. Criteria: Genomenon Sequence Variant Interpretation Standards - Updated. Collection method: curation. Allele origin: germline. Affected: yes.
Comment: GLA p.Ala29LeufsTer92 (c.85del) is a frameshift variant that is predicted to introduce a premature termination codon and result in a truncated or absent protein product. This variant has been observed in at least one proband with clinical features consistent with Fabry disease (PMID:25965380). Functional or patient cell studies have been reported (PMID:27896103). It is absent or not present at a significant frequency in gnomAD. In conclusion, we classify GLA p.Ala29LeufsTer92 (c.85del) as a pathogenic variant.

Literature cited by the submitters: PubMed 25965380; PubMed 27896103.

NM_000169.3(GLA):c.85del (p.Ala29fs)

Genes: GLA (galactosidase alpha; minus strand), RPL36A-HNRNPH2 (RPL36A-HNRNPH2 readthrough; plus strand). Cytogenetic location: Xq22.1.
Variant type: Deletion.
Coding change: c.85del on transcript NM_000169.3 (MANE Select); coding-DNA position 85, one base deleted (G; older notation c.85delG).
Protein change: p.Ala29fs; shifts the reading frame from alanine 29.
Molecular consequence: frameshift variant. On other transcripts: non-coding transcript variant (3), intron variant (2).
Genome position (GRCh38, 1-based): chrX:101,407,819, C deleted on the plus strand (G on the coding strand, the reverse complement: GLA is on the minus strand); the first of 4 consecutive C bases (chrX:101,407,819-101,407,822); deleting any one gives the same sequence. VCF-style (leftmost placement, unchanged base first): chrX-101407818-GC-G. GRCh37 (hg19) VCF-style: chrX-100662806-GC-G.
Other names: c.85del, p.Ala29fs (NM_001406747.1, NM_001406748.1, NM_001406749.1); c.301-4114del (NM_001199973.2); c.178-4114del (NM_001199974.2); short protein forms A29fs.
Identifiers: ClinVar variation 4087255 (VCV004087255.2).
Genomic context (GRCh38, chrX:101,407,818, plus strand): 5'-CGCTCCCAGTGCAGCCAGCCCATGGTAGGCGTCCTTGCCAATCCATTGTCCAGTGCTCTA[GC>G]CCCAGGGATGTCCCAGGAAACGAGGGCCAGGAAGCGAAGCGCAAGCGCGCAGCCCAGATG-3'